The following is an entry in ClinVar:

NM_018129.4(PNPO):c.364-36C>T

Gene: PNPO (pyridoxamine 5'-phosphate oxidase; plus strand). Cytogenetic location: 17q21.32.
Variant type: single nucleotide variant.
Coding change: c.364-36C>T on transcript NM_018129.4 (MANE Select); 36 bases into the intron before coding-DNA position 364, C replaced by T.
Molecular consequence: intron variant.
Genome position (GRCh38, 1-based): chr17:47,945,523, C>T. VCF-style: chr17-47945523-C-T. GRCh37 (hg19) VCF-style: chr17-46022889-C-T.
Identifiers: ClinVar variation 670594 (VCV000670594.6), dbSNP rs2002136, ClinGen allele CA8629165.

ClinVar aggregate classification (germline): Benign. Review status: criteria provided, multiple submitters, no conflicts (2 of 4 stars). 4 submissions from 4 submitters: Benign (4). Last evaluated 2024-07-15.

Conditions:
Pyridoxal phosphate-responsive seizures (PNPOD). Also called: Pyridoxal 5'-Phosphate (PLP)-Dependent Epilepsy; SEIZURES, PYRIDOXINE-RESISTANT, PLP-SENSITIVE; EPILEPTIC ENCEPHALOPATHY, NEONATAL, PNPO-RELATED; Pyridoxamine 5-Prime-Phosphate Oxidase Deficiency; Pyridoxine-5'-phosphate oxidase deficiency. Identifiers: Orphanet 79096, MedGen C1864723, MONDO:0012407, OMIM 610090. Disease mechanism: loss of function.

Allele frequency attached by ClinVar (database versions not stated): ESP Exome Variant Server 0.34869; gnomAD 0.35597 and 0.35966; TOPMed 0.35687; gnomAD exomes 0.36807 and 0.37689; ExAC 0.37355; 1000 Genomes Project 30x 0.38273; 1000 Genomes Project 0.38658.
gnomAD v4.1: 583,396 of 1,588,026 alleles (37%); highest among the groups gnomAD compares: East Asian, 56%; 109,029 homozygotes.

Submissions (4):

Unidad de Genómica Garrahan, Hospital de Pediatría Garrahan
Classification: Benign. Last evaluated: 2024-07-15. Review status: criteria provided, single submitter. Criteria: ACMG Guidelines, 2015. Collection method: clinical testing. Allele origin: germline. Affected: no. Observed: 54 variant alleles.
Comment: This variant is classified as Benign based on local population frequency. This variant was detected in 58% of patients studied in a panel designed for Epileptic and Developmental Encephalopathy and Progressive Myoclonus Epilepsy. Number of patients: 54. Only high quality variants are reported.

Genome-Nilou Lab
Classification: Benign for Pyridoxal phosphate-responsive seizures. Last evaluated: 2021-10-25. Review status: criteria provided, single submitter. Criteria: ACMG Guidelines, 2015. Collection method: clinical testing. Allele origin: germline. Affected: no.

GeneDx
Classification: Benign. Last evaluated: 2018-06-14. Review status: criteria provided, single submitter. Criteria: GeneDx Variant Classification (06012015). Collection method: clinical testing. Allele origin: germline. Affected: yes.
Comment: This variant is considered likely benign or benign based on one or more of the following criteria: it is a conservative change, it occurs at a poorly conserved position in the protein, it is predicted to be benign by multiple in silico algorithms, and/or has population frequency not consistent with disease.

Breakthrough Genomics
Classification: Benign. Review status: criteria provided, single submitter. Criteria: ACMG Guidelines, 2015. Collection method: not provided. Allele origin: germline. Inheritance: Autosomal recessive inheritance. Affected: yes.